The following is an entry in ClinVar:

ClinVar aggregate classification (germline): Pathogenic (1 of 4 stars; one submission).

Conditions:
Marfan syndrome (MFS). Also called: MARFAN SYNDROME, TYPE I; Marfan syndrome type 1; Marfan's syndrome; Marfan syndrome, classic; FBN1-Related Marfan Syndrome. Identifiers: Orphanet 284963, Orphanet 558, MedGen C0024796, MONDO:0007947, OMIM 154700.
Familial thoracic aortic aneurysm and aortic dissection (TAAD). Also called: Thoracic aortic aneurysms and dissections. Identifiers: Orphanet 91387, MedGen C4707243, MONDO:0019625.

Submission:

Labcorp Genetics (formerly Invitae), Labcorp
Classification: Pathogenic for Marfan syndrome; Familial thoracic aortic aneurysm and aortic dissection. Last evaluated: 2023-11-21. Review status: criteria provided, single submitter. Criteria: Invitae Variant Classification Sherloc (09022015). Collection method: clinical testing. Allele origin: germline.
Comment: This variant results in the deletion of part of exon 55 (c.6617-12_6630del) of the FBN1 gene. It is expected to disrupt RNA splicing. Variants that disrupt the donor or acceptor splice site typically lead to a loss of protein function (PMID: 16199547), and loss-of-function variants in FBN1 are known to be pathogenic (PMID: 17657824, 19293843). This variant is not present in population databases (gnomAD no frequency). This variant has not been reported in the literature in individuals affected with FBN1-related conditions. This variant affects a cysteine residue in the EGF-like, TGFBP or hybrid motif domains of FBN1. Cysteine residues are believed to be involved in intramolecular disulfide bridges and have been shown to be important for FBN1 protein structure (PMID: 16905551, 19349279). In addition, missense substitutions affecting cysteine residues within these domains are significantly overrepresented among patients with Marfan syndrome (PMID: 16571647, 17701892). For these reasons, this variant has been classified as Pathogenic.

Literature cited by the submitters: PubMed 16199547; PubMed 17657824; PubMed 19293843; PubMed 16905551; PubMed 19349279; PubMed 16571647; PubMed 17701892.

NM_000138.5(FBN1):c.6617-12_6630del

Gene: FBN1 (fibrillin 1; minus strand). Cytogenetic location: 15q21.1.
Variant type: Deletion.
Coding change: c.6617-12_6630del on transcript NM_000138.5 (MANE Select); 12 bases into the intron before coding-DNA position 6617 through coding-DNA position 6630, 26 bases deleted (CCTCTGCTGCAGATATAAATGAATGT).
Molecular consequence: splice acceptor variant.
Genome position (GRCh38, 1-based): chr15:48,432,975-48,433,000, ACATTCATTTATATCTGCAGCAGAGG deleted on the plus strand (CCTCTGCTGCAGATATAAATGAATGT on the coding strand, the reverse complement: FBN1 is on the minus strand); deleting any 26 consecutive bases within chr15:48,432,975-48,433,001 gives the same sequence; the c. name uses the placement nearest the transcript's 3' end. VCF-style (leftmost placement, unchanged base first): chr15-48432974-CACATTCATTTATATCTGCAGCAGAGG-C. GRCh37 (hg19) VCF-style: chr15-48725171-CACATTCATTTATATCTGCAGCAGAGG-C.
Other names: c.6617-12_6630del (NM_001406716.1).
Identifiers: ClinVar variation 2954100 (VCV002954100.3), dbSNP rs2505425291, ClinGen allele CA2740096575.
Genomic context (GRCh38, chr15:48,432,974, plus strand): 5'-TGCATTCATATGACCCATAAGTGTTCACACATCGGAAGGCACAGAGCAGAGGATTCTGGG[CACATTCATTTATATCTGCAGCAGAGG>C]AGAGTAAGTAAATAAGGGATCATGGACAGCAACAAAAGGGAACCTACCAATTGAACTAAA-3'